The following is an entry in ClinVar:

ClinVar aggregate classification (germline): Uncertain significance. Review status: criteria provided, multiple submitters, no conflicts (2 of 4 stars). 2 submissions from 2 submitters: Uncertain significance (2). Last evaluated 2023-04-24.

Conditions:
Combined immunodeficiency with skin granulomas. Identifiers: Orphanet 157949, MedGen C2673536, MONDO:0009306, OMIM 233650.
Severe combined immunodeficiency, autosomal recessive, T cell-negative, B cell-negative, NK cell-positive. Also called: SCID, AR, T-cell negative, B-cell negative, NK cell-positive; SCID, T CELL-NEGATIVE, B CELL-NEGATIVE, NK CELL-POSITIVE; Severe combined immunodeficiency due to complete RAG1/2 deficiency. Identifiers: Orphanet 331206, MedGen C1832322, MONDO:0011086, OMIM 601457.

Allele frequency attached by ClinVar (database versions not stated): gnomAD 0.00004 and 0.00005; gnomAD exomes 0.00004 and 0.00016; TOPMed 0.00004; ExAC 0.00005; ESP Exome Variant Server 0.00015.
gnomAD v4.1: 237 of 1,614,100 alleles (0.015%); highest among the groups gnomAD compares: Non-Finnish European, 0.02%; no homozygotes.

Submissions (2):

Blueprint Genetics
Classification: Uncertain significance. Last evaluated: 2023-04-24. Review status: criteria provided, single submitter. Criteria: ACMG Guidelines, 2015. Collection method: clinical testing. Allele origin: germline.

Labcorp Genetics (formerly Invitae), Labcorp
Classification: Uncertain significance for Combined immunodeficiency with skin granulomas; Severe combined immunodeficiency, autosomal recessive, T cell-negative, B cell-negative, NK cell-positive. Last evaluated: 2021-08-26. Review status: criteria provided, single submitter. Criteria: Invitae Variant Classification Sherloc (09022015). Collection method: clinical testing. Allele origin: germline.
Comment: This sequence change replaces serine with asparagine at codon 275 of the RAG1 protein (p.Ser275Asn). The serine residue is moderately conserved and there is a small physicochemical difference between serine and asparagine. This variant is present in population databases (rs368607209, ExAC 0.02%). This variant has not been reported in the literature in individuals affected with RAG1-related conditions. Algorithms developed to predict the effect of missense changes on protein structure and function are either unavailable or do not agree on the potential impact of this missense change (SIFT: "Deleterious"; PolyPhen-2: "Possibly Damaging"; Align-GVGD: "Class C0"). In summary, the available evidence is currently insufficient to determine the role of this variant in disease. Therefore, it has been classified as a Variant of Uncertain Significance.

NM_000448.3(RAG1):c.824G>A (p.Ser275Asn)

Gene: RAG1 (recombination activating 1; plus strand). Cytogenetic location: 11p12.
Variant type: single nucleotide variant.
Coding change: c.824G>A on transcript NM_000448.3 (MANE Select); coding-DNA position 824, G replaced by A.
Protein change: p.Ser275Asn; replaces serine 275 with asparagine.
Molecular consequence: missense variant.
Genome position (GRCh38, 1-based): chr11:36,574,128, G>A. VCF-style: chr11-36574128-G-A. GRCh37 (hg19) VCF-style: chr11-36595678-G-A.
Other names: c.824G>A, p.Ser275Asn (NM_001377277.1, NM_001377278.1, NM_001377279.1 and 1 more transcripts); short protein forms S275N.
Identifiers: ClinVar variation 847194 (VCV000847194.8), dbSNP rs368607209, ClinGen allele CA5950062.
Genomic context (GRCh38, chr11:36,574,128, plus strand): 5'-CAAGGATCAGCAGCAAGGATGTCATGAAGAAGATCGCCAACTGCAGTAAGATACATCTTA[G>A]TACCAAGCTCCTTGCAGTGGACTTCCCAGAGCACTTTGTGAAATCCATCTCCTGCCAGAT-3'
Protein context (NP_000439.2, residues 265-285): KIANCSKIHL[Ser275Asn]TKLLAVDFPE